The following is an entry in ClinVar:

NM_032043.3(BRIP1):c.1077A>G (p.Ile359Met)

Gene: BRIP1 (BRCA1 interacting DNA helicase 1; minus strand). Cytogenetic location: 17q23.2.
Variant type: single nucleotide variant.
Coding change: c.1077A>G on transcript NM_032043.3 (MANE Select); coding-DNA position 1077, A replaced by G.
Protein change: p.Ile359Met; replaces isoleucine 359 with methionine.
Molecular consequence: missense variant.
Genome position (GRCh38, 1-based): chr17:61,801,316, T>C on the plus strand (A>G on the coding strand, the complement: BRIP1 is on the minus strand). VCF-style: chr17-61801316-T-C. GRCh37 (hg19) VCF-style: chr17-59878677-T-C.
Other names: p.I359M:ATA>ATG; short protein forms I359M.
Identifiers: ClinVar variation 182346 (VCV000182346.22), dbSNP rs730881634, ClinGen allele CA298872.

ClinVar aggregate classification (germline): Conflicting classifications of pathogenicity. Review status: criteria provided, conflicting classifications (1 of 4 stars). 6 submissions from 6 submitters: Uncertain significance (4); Likely benign (2). Last evaluated 2026-05-11.

Conditions:
BRIP1-related disorder. Also called: BRIP1-related condition; BRIP1-related disorders. Identifiers: MedGen CN239206.
Familial cancer of breast. Also called: Hereditary breast cancer; BREAST CANCER, FAMILIAL; hereditary breast carcinoma. Identifiers: Orphanet 227535, MedGen C0346153, MONDO:0016419, OMIM 114480. Disease mechanism: loss of function.
Fanconi anemia complementation group J. Also called: BRIP1-Related Fanconi Anemia. Identifiers: Orphanet 84, MedGen C1836860, MONDO:0012187, OMIM 609054.
Hereditary cancer-predisposing syndrome. Also called: Neoplastic Syndromes, Hereditary; Tumor predisposition; Hereditary neoplastic syndrome; Hereditary Cancer Syndrome. Identifiers: Orphanet 140162, MedGen C0027672, MeSH D009386, MONDO:0015356.

Allele frequency attached by ClinVar (database versions not stated): gnomAD exomes below 0.00001; TOPMed below 0.00001; gnomAD 0.00001.
gnomAD v4.1: 3 of 1,613,996 alleles (0.00019%); highest among the groups gnomAD compares: East Asian, 0.0022%; no homozygotes.

Submissions (6):

PreventionGenetics, part of Exact Sciences
Classification: Uncertain significance for BRIP1-related condition. Last evaluated: 2026-05-11. Review status: criteria provided, single submitter. Criteria: ACMG Guidelines, 2015. Collection method: clinical testing. Allele origin: germline.
Comment: The BRIP1 c.1077A>G variant is predicted to result in the amino acid substitution p.Ile359Met. To our knowledge, this variant has not been reported in the literature or in gnomAD, indicating this variant is rare. This variant has conflicting interpretations of pathogenicity in ClinVar of uncertain significance and likely benign (Variation ID: 182346). At this time, the clinical significance of this variant is uncertain due to the absence of conclusive functional and genetic evidence.

Labcorp Genetics (formerly Invitae), Labcorp
Classification: Uncertain significance for Familial cancer of breast; Fanconi anemia complementation group J. Last evaluated: 2025-11-19. Review status: criteria provided, single submitter. Criteria: Invitae Variant Classification Sherloc (09022015). Collection method: clinical testing. Allele origin: germline.
Comment: This sequence change replaces isoleucine, which is neutral and non-polar, with methionine, which is neutral and non-polar, at codon 359 of the BRIP1 protein (p.Ile359Met). This variant is not present in population databases (gnomAD no frequency). This variant has not been reported in the literature in individuals affected with BRIP1-related conditions. ClinVar contains an entry for this variant (Variation ID: 182346). Invitae Evidence Modeling of protein sequence and biophysical properties (such as structural, functional, and spatial information, amino acid conservation, physicochemical variation, residue mobility, and thermodynamic stability) indicates that this missense variant is not expected to disrupt BRIP1 protein function with a negative predictive value of 95%. In summary, the available evidence is currently insufficient to determine the role of this variant in disease. Therefore, it has been classified as a Variant of Uncertain Significance.

GeneDx
Classification: Uncertain significance. Last evaluated: 2024-09-25. Review status: criteria provided, single submitter. Criteria: GeneDx Variant Classification Process June 2021. Collection method: clinical testing. Allele origin: germline. Affected: yes.
Comment: Not observed at significant frequency in large population cohorts (gnomAD); In silico analysis indicates that this missense variant does not alter protein structure/function; Has not been previously published as pathogenic or benign to our knowledge

Color Diagnostics, LLC DBA Color Health
Classification: Likely benign for Hereditary cancer-predisposing syndrome. Last evaluated: 2024-09-23. Review status: criteria provided, single submitter. Criteria: ACMG Guidelines, 2015. Collection method: clinical testing. Allele origin: germline.

Baylor Genetics
Classification: Uncertain significance for Familial cancer of breast. Last evaluated: 2024-02-16. Review status: criteria provided, single submitter. Criteria: ACMG Guidelines, 2015. Collection method: clinical testing. Allele origin: unknown.

Ambry Genetics
Classification: Likely benign for Hereditary cancer-predisposing syndrome. Last evaluated: 2016-06-24. Review status: criteria provided, single submitter. Criteria: Ambry Variant Classification Scheme 2023. Collection method: clinical testing. Allele origin: germline.